The following is an entry in ClinVar:

NM_025243.4(SLC19A3):c.168C>A (p.Phe56Leu)

Gene: SLC19A3 (solute carrier family 19 member 3; minus strand). Cytogenetic location: 2q36.3.
Variant type: single nucleotide variant.
Coding change: c.168C>A on transcript NM_025243.4 (MANE Select); coding-DNA position 168, C replaced by A.
Protein change: p.Phe56Leu; replaces phenylalanine 56 with leucine.
Molecular consequence: missense variant.
Genome position (GRCh38, 1-based): chr2:227,699,547, G>T on the plus strand (C>A on the coding strand, the complement: SLC19A3 is on the minus strand). VCF-style: chr2-227699547-G-T. GRCh37 (hg19) VCF-style: chr2-228564263-G-T.
Other names: c.168C>A, p.Phe56Leu (NM_001371411.1, NM_001371412.1); c.156C>A, p.Phe52Leu (NM_001371413.1, NM_001371414.1); short protein forms F56L, F52L.
Identifiers: ClinVar variation 862040 (VCV000862040.7), dbSNP rs769102876, ClinGen allele CA2149361.
Genomic context (GRCh38, chr2:227,699,547, plus strand): 5'-ATAATCGGTGAGGACAAACACAGGCAGCAGCAGCACCAGGTAGGAGTATGTCCAAACGGG[G>T]AAGATCTCATTTGTTATCTGCAAAGTTGGTAAATTGCATGACCACGAAGCACCGGTACTT-3'
Protein context (NP_079519.1, residues 46-66): LTSAEITNEI[Phe56Leu]PVWTYSYLVL

ClinVar aggregate classification (germline): Uncertain significance (1 of 4 stars; one submission).

Conditions:
Biotin-responsive basal ganglia disease (BTBGD). Also called: Thiamine metabolism dysfunction syndrome 2 (biotin- or thiamine-responsive encephalopathy type 2); thiamine-responsive encephalopathy; Thiamine metabolism dysfunction syndrome type 2; Thiamine Transporter-2 Deficiency; THIAMINE METABOLISM DYSFUNCTION SYNDROME 2 (BIOTIN- AND THIAMINE-RESPONSIVE TYPE). Identifiers: Orphanet 199348, Orphanet 65284, MedGen C1843807, MONDO:0011841, OMIM 607483.

Allele frequency attached by ClinVar (database versions not stated): ExAC 0.00001; gnomAD 0.00001; gnomAD exomes 0.00001 and 0.00002; TOPMed 0.00003.
gnomAD v4.1: 21 of 1,614,028 alleles (0.0013%); highest among the groups gnomAD compares: Non-Finnish European, 0.0018%; no homozygotes.

Submission:

Labcorp Genetics (formerly Invitae), Labcorp
Classification: Uncertain significance for Biotin-responsive basal ganglia disease. Last evaluated: 2022-07-19. Review status: criteria provided, single submitter. Criteria: Invitae Variant Classification Sherloc (09022015). Collection method: clinical testing. Allele origin: germline.
Comment: This sequence change replaces phenylalanine, which is neutral and non-polar, with leucine, which is neutral and non-polar, at codon 56 of the SLC19A3 protein (p.Phe56Leu). This variant is present in population databases (rs769102876, gnomAD 0.002%). This variant has not been reported in the literature in individuals affected with SLC19A3-related conditions. ClinVar contains an entry for this variant (Variation ID: 862040). Advanced modeling of protein sequence and biophysical properties (such as structural, functional, and spatial information, amino acid conservation, physicochemical variation, residue mobility, and thermodynamic stability) performed at Invitae indicates that this missense variant is not expected to disrupt SLC19A3 protein function. In summary, the available evidence is currently insufficient to determine the role of this variant in disease. Therefore, it has been classified as a Variant of Uncertain Significance.